The following is an entry in ClinVar:

ClinVar aggregate classification (germline): Pathogenic (1 of 4 stars; one submission).

Conditions:
Hereditary diffuse gastric adenocarcinoma (HDGC). Also called: DIFFUSE GASTRIC AND LOBULAR BREAST CANCER SYNDROME. Identifiers: Orphanet 26106, MedGen C1708349, MONDO:0007648, OMIM 137215.

Submission:

Myriad Genetics, Inc.
Classification: Pathogenic for Hereditary diffuse gastric adenocarcinoma. Last evaluated: 2023-06-13. Review status: criteria provided, single submitter. Criteria: Myriad Autosomal Dominant, Autosomal Recessive and X-Linked Classification Criteria (2023). Collection method: clinical testing. Allele origin: unknown.
Comment: This variant is considered pathogenic. This variant creates a frameshift predicted to result in premature protein truncation.

NM_004360.5(CDH1):c.1450_1463del (p.Pro484fs)

Gene: CDH1 (cadherin 1; plus strand). Cytogenetic location: 16q22.1.
Variant type: Deletion.
Coding change: c.1450_1463del on transcript NM_004360.5 (MANE Select); coding-DNA positions 1450 to 1463, 14 bases deleted (CCCATCTTTGTGCC).
Protein change: p.Pro484fs; shifts the reading frame from proline 484.
Molecular consequence: frameshift variant. On other transcripts: 5 prime UTR variant (2).
Genome position (GRCh38, 1-based): chr16:68,815,644-68,815,657, CCCATCTTTGTGCC deleted; deleting any 14 consecutive bases within chr16:68,815,641-68,815,657 gives the same sequence; the c. name uses the placement nearest the transcript's 3' end. VCF-style (leftmost placement, unchanged base first): chr16-68815640-AGCCCCCATCTTTGT-A. GRCh37 (hg19) VCF-style: chr16-68849543-AGCCCCCATCTTTGT-A.
Other names: c.1267_1280del, p.Pro423fs (NM_001317184.2); c.-99_-86del (NM_001317185.2); c.-370_-357del (NM_001317186.2); short protein forms P423fs, P484fs.
Identifiers: ClinVar variation 2583208 (VCV002583208.2), dbSNP rs2543930847, ClinGen allele CA2582342595.